The following is an entry in ClinVar:

NM_000093.5(COL5A1):c.2390C>A (p.Ala797Asp)

Gene: COL5A1 (collagen type V alpha 1 chain; plus strand). Cytogenetic location: 9q34.3.
Variant type: single nucleotide variant.
Coding change: c.2390C>A on transcript NM_000093.5 (MANE Select); coding-DNA position 2390, C replaced by A.
Protein change: p.Ala797Asp; replaces alanine 797 with aspartic acid.
Molecular consequence: missense variant.
Genome position (GRCh38, 1-based): chr9:134,780,106, C>A. VCF-style: chr9-134780106-C-A. GRCh37 (hg19) VCF-style: chr9-137671952-C-A.
Other names: c.2390C>A, p.Ala797Asp (NM_001278074.1); short protein forms A797D.
Identifiers: ClinVar variation 2114654 (VCV002114654.1), dbSNP rs745370910, ClinGen allele CA375453271.

ClinVar aggregate classification (germline): Uncertain significance (1 of 4 stars; one submission).

Conditions:
Ehlers-Danlos syndrome, classic type, 1 (EDSCL1). Also called: EHLERS-DANLOS SYNDROME, GRAVIS TYPE; EHLERS-DANLOS SYNDROME, SEVERE CLASSIC TYPE; Ehlers-Danlos syndrome, type 1; EDS I; Ehlers-Danlos Syndrome, Classic Type, COL5A1-Related. Identifiers: MedGen C0268335, MONDO:0019567, OMIM 130000.

gnomAD v4.1: 1 of 1,613,472 alleles (0.000062%); highest among the groups gnomAD compares: East Asian, 0.0022%; no homozygotes.

Submission:

Labcorp Genetics (formerly Invitae), Labcorp
Classification: Uncertain significance for Ehlers-Danlos syndrome, classic type, 1. Last evaluated: 2022-10-05. Review status: criteria provided, single submitter. Criteria: Invitae Variant Classification Sherloc (09022015). Collection method: clinical testing. Allele origin: germline.
Comment: This sequence change replaces alanine, which is neutral and non-polar, with aspartic acid, which is acidic and polar, at codon 797 of the COL5A1 protein (p.Ala797Asp). This variant is not present in population databases (gnomAD no frequency). This variant has not been reported in the literature in individuals affected with COL5A1-related conditions. Advanced modeling of protein sequence and biophysical properties (such as structural, functional, and spatial information, amino acid conservation, physicochemical variation, residue mobility, and thermodynamic stability) performed at Invitae indicates that this missense variant is not expected to disrupt COL5A1 protein function. In summary, the available evidence is currently insufficient to determine the role of this variant in disease. Therefore, it has been classified as a Variant of Uncertain Significance.